The following is an entry in ClinVar:

NM_032119.4(ADGRV1):c.797T>C (p.Leu266Pro)

Gene: ADGRV1 (adhesion G protein-coupled receptor V1; plus strand). Cytogenetic location: 5q14.3.
Variant type: single nucleotide variant.
Coding change: c.797T>C on transcript NM_032119.4 (MANE Select); coding-DNA position 797, T replaced by C.
Protein change: p.Leu266Pro; replaces leucine 266 with proline.
Molecular consequence: missense variant. On other transcripts: non-coding transcript variant (1).
Genome position (GRCh38, 1-based): chr5:90,627,335, T>C. VCF-style: chr5-90627335-T-C. GRCh37 (hg19) VCF-style: chr5-89923152-T-C.
Other names: short protein forms L266P.
Identifiers: ClinVar variation 2132027 (VCV002132027.4), dbSNP rs2531809389, ClinGen allele CA360365885.
Genomic context (GRCh38, chr5:90,627,335, plus strand): 5'-ACACCTCTAGGAATTCCATTGAGATCATCATTAAGAAAAATGATAGTCCCGTGAGATTCC[T>C]TCAGAGTATTTATTTGGTTCCTGAGGAAGACCACATACTCATAATTCCAGTAGTTCGTGG-3'
Protein context (NP_115495.3, residues 256-276): IKKNDSPVRF[Leu266Pro]QSIYLVPEED

ClinVar aggregate classification (germline): Uncertain significance (1 of 4 stars; one submission).

Allele frequency attached by ClinVar (database versions not stated): gnomAD exomes below 0.00001.
gnomAD v4.1: 1 of 1,613,930 alleles (0.000062%); highest among the groups gnomAD compares: Non-Finnish European, 0.000085%; no homozygotes.

Submission:

Labcorp Genetics (formerly Invitae), Labcorp
Classification: Uncertain significance. Last evaluated: 2022-04-30. Review status: criteria provided, single submitter. Criteria: Invitae Variant Classification Sherloc (09022015). Collection method: clinical testing. Allele origin: germline.
Comment: In summary, the available evidence is currently insufficient to determine the role of this variant in disease. Therefore, it has been classified as a Variant of Uncertain Significance. Algorithms developed to predict the effect of missense changes on protein structure and function (SIFT, PolyPhen-2, Align-GVGD) all suggest that this variant is likely to be tolerated. This variant has not been reported in the literature in individuals affected with ADGRV1-related conditions. This variant is not present in population databases (gnomAD no frequency). This sequence change replaces leucine, which is neutral and non-polar, with proline, which is neutral and non-polar, at codon 266 of the ADGRV1 protein (p.Leu266Pro).